The following is an entry in ClinVar:

NM_130384.3(ATRIP):c.1762dup (p.Gln588fs)

Genes: ATRIP (ATR interacting protein; plus strand), ATRIP-TREX1 (ATRIP-TREX1 readthrough; plus strand). Cytogenetic location: 3p21.31.
Variant type: Duplication.
Coding change: c.1762dup on transcript NM_130384.3 (MANE Select); coding-DNA position 1762, one base duplicated (C; older notation c.1762dupC).
Protein change: p.Gln588fs; shifts the reading frame from glutamine 588.
Molecular consequence: frameshift variant. On other transcripts: non-coding transcript variant (1).
Genome position (GRCh38, 1-based): chr3:48,463,761, C duplicated; the last of 2 consecutive C bases (chr3:48,463,760-48,463,761); duplicating either gives the same sequence. VCF-style (leftmost placement, unchanged base first): chr3-48463759-T-TC. GRCh37 (hg19) VCF-style: chr3-48505158-T-TC.
Other names: c.1381dup, p.Gln461fs (NM_001271022.2); c.1483dup, p.Gln495fs (NM_001271023.2); c.1762dup, p.Gln588fs (NM_032166.4); short protein forms Q461fs, Q588fs, Q495fs.
Identifiers: ClinVar variation 5032454 (VCV005032454.1).

ClinVar aggregate classification (germline): Uncertain significance (1 of 4 stars; one submission).

Submission:

Ambry Genetics
Classification: Uncertain significance. Last evaluated: 2026-09-10. Review status: criteria provided, single submitter. Criteria: Ambry Variant Classification Scheme 2023. Collection method: clinical testing. Allele origin: germline.
Comment: The c.1762dupC variant, located in coding exon 9 of the ATRIP gene, results from a duplication of C at nucleotide position 1762, causing a translational frameshift with a predicted alternate stop codon (p.Q588Pfs*15). The evidence for this gene-disease relationship is limited; therefore, the clinical significance of this variant is unclear.